The following is an entry in ClinVar:

ClinVar aggregate classification (germline): Uncertain significance. Review status: criteria provided, multiple submitters, no conflicts (2 of 4 stars). 4 submissions from 4 submitters: Uncertain significance (4). Last evaluated 2026-04-13.

Conditions:
Dilated cardiomyopathy 1G (CMD1G). Identifiers: Orphanet 154, MedGen C1858763, MONDO:0011400, OMIM 604145.
Autosomal recessive limb-girdle muscular dystrophy type 2J (LGMDR10). Also called: Limb-girdle muscular dystrophy, type 2J; MUSCULAR DYSTROPHY, LIMB-GIRDLE, AUTOSOMAL RECESSIVE 10. Identifiers: Orphanet 140922, MedGen C1837342, MONDO:0012127, OMIM 608807.
TTN-related disorder. Also called: TTN-related condition; TTN-related disease; TTN-related disorders.

Allele frequency attached by ClinVar (database versions not stated): ExAC 0.00006; gnomAD 0.00003 and 0.00004; TOPMed 0.00003; gnomAD exomes 0.00005.
gnomAD v4.1: 23 of 1,613,776 alleles (0.0014%); highest among the groups gnomAD compares: Admixed American, 0.025%; no homozygotes.

Submissions (4):

PreventionGenetics, part of Exact Sciences
Classification: Uncertain significance for TTN-related condition. Last evaluated: 2026-04-13. Review status: criteria provided, single submitter. Criteria: ACMG Guidelines, 2015. Collection method: clinical testing. Allele origin: germline.
Comment: The TTN c.104333C>T variant is predicted to result in the amino acid substitution p.Thr34778Met. To our knowledge, this variant has not been reported in the literature. This variant is reported in 0.034% of alleles in individuals of Latino descent in gnomAD. At this time, the clinical significance of this variant is uncertain due to the absence of conclusive functional and genetic evidence.

Revvity Omics, Revvity
Classification: Uncertain significance. Last evaluated: 2019-02-07. Review status: criteria provided, single submitter. Criteria: ACMG Guidelines, 2015. Collection method: clinical testing. Allele origin: germline.

Labcorp Genetics (formerly Invitae), Labcorp
Classification: Uncertain significance for Dilated cardiomyopathy 1G; Autosomal recessive limb-girdle muscular dystrophy type 2J. Last evaluated: 2018-01-06. Review status: criteria provided, single submitter. Criteria: Invitae Variant Classification Sherloc (09022015). Collection method: clinical testing. Allele origin: germline.

Eurofins Ntd Llc (ga)
Classification: Uncertain significance. Last evaluated: 2015-09-18. Review status: criteria provided, single submitter. Criteria: EGL Classification Definitions 2015. Collection method: clinical testing. Allele origin: germline. Observed: 1 variant allele, 1 heterozygote.

NM_001267550.2(TTN):c.104333C>T (p.Thr34778Met)

Genes: TTN (titin; minus strand), TTN-AS1 (TTN antisense RNA 1; plus strand). Cytogenetic location: 2q31.2.
Variant type: single nucleotide variant.
Coding change: c.104333C>T on transcript NM_001267550.2 (MANE Select); coding-DNA position 104333, C replaced by T.
Protein change: p.Thr34778Met; replaces threonine 34778 with methionine.
Molecular consequence: missense variant.
Genome position (GRCh38, 1-based): chr2:178,532,282, G>A on the plus strand (C>T on the coding strand, the complement: TTN is on the minus strand). VCF-style: chr2-178532282-G-A. GRCh37 (hg19) VCF-style: chr2-179397009-G-A.
Other names: c.99410C>T, p.Thr33137Met (NM_001256850.1); c.77138C>T, p.Thr25713Met (NM_003319.4); c.96629C>T, p.Thr32210Met (NM_133378.4); c.77513C>T, p.Thr25838Met (NM_133432.3); c.77714C>T, p.Thr25905Met (NM_133437.4); short protein forms T32210M, T34778M, T25713M, T25838M, T33137M, T25905M.
Identifiers: ClinVar variation 283172 (VCV000283172.11), dbSNP rs762158917, ClinGen allele CA1985441.